The following is an entry in ClinVar:

ClinVar aggregate classification (germline): Uncertain significance (1 of 4 stars; one submission).

Allele frequency attached by ClinVar (database versions not stated): gnomAD exomes below 0.00001; TOPMed 0.00002; gnomAD 0.00003 and 0.00004.

Submission:

Labcorp Genetics (formerly Invitae), Labcorp
Classification: Uncertain significance. Last evaluated: 2022-08-22. Review status: criteria provided, single submitter. Criteria: Invitae Variant Classification Sherloc (09022015). Collection method: clinical testing. Allele origin: germline.
Comment: In summary, the available evidence is currently insufficient to determine the role of this variant in disease. Therefore, it has been classified as a Variant of Uncertain Significance. Algorithms developed to predict the effect of missense changes on protein structure and function are either unavailable or do not agree on the potential impact of this missense change (SIFT: "Not Available"; PolyPhen-2: "Possibly Damaging"; Align-GVGD: "Not Available"). ClinVar contains an entry for this variant (Variation ID: 1477391). This variant has not been reported in the literature in individuals affected with NPPC-related conditions. This variant is present in population databases (no rsID available, gnomAD 0.01%). This sequence change replaces proline, which is neutral and non-polar, with leucine, which is neutral and non-polar, at codon 20 of the NPPC protein (p.Pro20Leu).

NM_024409.4(NPPC):c.59C>T (p.Pro20Leu)

Gene: NPPC (natriuretic peptide C; minus strand). Cytogenetic location: 2q37.1.
Variant type: single nucleotide variant.
Coding change: c.59C>T on transcript NM_024409.4 (MANE Select); coding-DNA position 59, C replaced by T.
Protein change: p.Pro20Leu; replaces proline 20 with leucine.
Molecular consequence: missense variant.
Genome position (GRCh38, 1-based): chr2:231,926,191, G>A on the plus strand (C>T on the coding strand, the complement: NPPC is on the minus strand). VCF-style: chr2-231926191-G-A. GRCh37 (hg19) VCF-style: chr2-232790901-G-A.
Other names: short protein forms P20L.
Identifiers: ClinVar variation 1477391 (VCV001477391.8), dbSNP rs966902624, ClinGen allele CA67489403.